The following is an entry in ClinVar:

NM_001372.4(DNAH9):c.12870G>C (p.Met4290Ile)

Gene: DNAH9 (dynein axonemal heavy chain 9; plus strand). Cytogenetic location: 17p12.
Variant type: single nucleotide variant.
Coding change: c.12870G>C on transcript NM_001372.4 (MANE Select); coding-DNA position 12870, G replaced by C.
Protein change: p.Met4290Ile; replaces methionine 4290 with isoleucine.
Molecular consequence: missense variant.
Genome position (GRCh38, 1-based): chr17:11,961,893, G>C. VCF-style: chr17-11961893-G-C. GRCh37 (hg19) VCF-style: chr17-11865210-G-C.
Other names: c.1806G>C, p.Met602Ile (NM_004662.2); short protein forms M602I, M4290I.
Identifiers: ClinVar variation 2101319 (VCV002101319.4), dbSNP rs911586154, ClinGen allele CA287979142.

ClinVar aggregate classification (germline): Uncertain significance (1 of 4 stars; one submission).

Submission:

Labcorp Genetics (formerly Invitae), Labcorp
Classification: Uncertain significance. Last evaluated: 2023-06-15. Review status: criteria provided, single submitter. Criteria: Invitae Variant Classification Sherloc (09022015). Collection method: clinical testing. Allele origin: germline.
Comment: ClinVar contains an entry for this variant (Variation ID: 2101319). Advanced modeling of protein sequence and biophysical properties (such as structural, functional, and spatial information, amino acid conservation, physicochemical variation, residue mobility, and thermodynamic stability) has been performed at Invitae for this missense variant, however the output from this modeling did not meet the statistical confidence thresholds required to predict the impact of this variant on DNAH9 protein function. In summary, the available evidence is currently insufficient to determine the role of this variant in disease. Therefore, it has been classified as a Variant of Uncertain Significance. This sequence change replaces methionine, which is neutral and non-polar, with isoleucine, which is neutral and non-polar, at codon 4290 of the DNAH9 protein (p.Met4290Ile). This variant is not present in population databases (gnomAD no frequency). This variant has not been reported in the literature in individuals affected with DNAH9-related conditions.